The following is an entry in ClinVar:

NM_002184.4(IL6ST):c.2526G>C (p.Glu842Asp)

Gene: IL6ST (interleukin 6 cytokine family signal transducer; minus strand). Cytogenetic location: 5q11.2.
Variant type: single nucleotide variant.
Coding change: c.2526G>C on transcript NM_002184.4 (MANE Select); coding-DNA position 2526, G replaced by C.
Protein change: p.Glu842Asp; replaces glutamic acid 842 with aspartic acid.
Molecular consequence: missense variant. On other transcripts: 3 prime UTR variant (1), non-coding transcript variant (2).
Genome position (GRCh38, 1-based): chr5:55,941,313, C>G on the plus strand (G>C on the coding strand, the complement: IL6ST is on the minus strand). VCF-style: chr5-55941313-C-G. GRCh37 (hg19) VCF-style: chr5-55237141-C-G.
Other names: c.2316G>C, p.Glu772Asp (NM_001364276.2); c.1659G>C, p.Glu553Asp (NM_001364277.2); c.1623G>C, p.Glu541Asp (NM_001364278.2); c.1530G>C, p.Glu510Asp (NM_001364279.2); c.*1453G>C (NM_175767.3); c.2343G>C, p.Glu781Asp (NM_001190981.2); c.2424G>C, p.Glu808Asp (NM_001364275.2); short protein forms E808D, E510D, E553D, E842D, E541D, E781D, E772D.
Identifiers: ClinVar variation 2820563 (VCV002820563.3), dbSNP rs2111581243, ClinGen allele CA359777895.
Genomic context (GRCh38, chr5:55,941,313, plus strand): 5'-AGATCCACAGGATTGTGAAATATGATCTGAAATCTGCTGTTTAAGTCTAACAAAATCTTC[C>G]TCATTGACTGATGAAACTTGCTTTGACCTTTCAAAATGTGAAATATCTGGACTGGATTCA-3'
Protein context (NP_002175.2, residues 832-852): ERSKQVSSVN[Glu842Asp]EDFVRLKQQI

ClinVar aggregate classification (germline): Uncertain significance (1 of 4 stars; one submission).

Submission:

Labcorp Genetics (formerly Invitae), Labcorp
Classification: Uncertain significance. Last evaluated: 2022-12-13. Review status: criteria provided, single submitter. Criteria: Invitae Variant Classification Sherloc (09022015). Collection method: clinical testing. Allele origin: germline.
Comment: Algorithms developed to predict the effect of missense changes on protein structure and function (SIFT, PolyPhen-2, Align-GVGD) all suggest that this variant is likely to be tolerated. In summary, the available evidence is currently insufficient to determine the role of this variant in disease. Therefore, it has been classified as a Variant of Uncertain Significance. This variant has not been reported in the literature in individuals affected with IL6ST-related conditions. This variant is not present in population databases (gnomAD no frequency). This sequence change replaces glutamic acid, which is acidic and polar, with aspartic acid, which is acidic and polar, at codon 842 of the IL6ST protein (p.Glu842Asp).